The following is an entry in ClinVar:

NM_004136.4(IREB2):c.1120_1121del (p.Met374fs)

Gene: IREB2 (iron responsive element binding protein 2; plus strand). Cytogenetic location: 15q25.1.
Variant type: Deletion.
Coding change: c.1120_1121del on transcript NM_004136.4 (MANE Select); coding-DNA positions 1120 to 1121, 2 bases deleted (AT; older notation c.1120_1121delAT).
Protein change: p.Met374fs; shifts the reading frame from methionine 374.
Molecular consequence: frameshift variant. On other transcripts: 3 prime UTR variant (1).
Genome position (GRCh38, 1-based): chr15:78,476,284-78,476,285, AT deleted. VCF-style (leftmost placement, unchanged base first): chr15-78476283-CAT-C. GRCh37 (hg19) VCF-style: chr15-78768625-CAT-C.
Other names: c.370_371del, p.Met124fs (NM_001320941.2); c.949_950del, p.Met317fs (NM_001320942.2, NM_001354994.2); c.*2894_*2895del (NM_001320943.2); short protein forms M124fs, M374fs, M317fs.
Identifiers: ClinVar variation 1967753 (VCV001967753.4), dbSNP rs2051469130, ClinGen allele CA2189498446.
Genomic context (GRCh38, chr15:78,476,283, plus strand): 5'-TGAGTTTTTTGGAAGTGGAGTTTCACAATTATCTATAGTTGATCGAACTACAATAGCAAA[CAT>C]GTGTCCGGAATATGGTGCTATCCTCAGCTTTTTCCCTGTTGACAATGTGACATTAAAACA-3'

ClinVar aggregate classification (germline): Uncertain significance (1 of 4 stars; one submission).

Allele frequency attached by ClinVar (database versions not stated): TOPMed below 0.00001; gnomAD exomes 0.00001.

Submission:

Labcorp Genetics (formerly Invitae), Labcorp
Classification: Uncertain significance. Last evaluated: 2022-11-29. Review status: criteria provided, single submitter. Criteria: Invitae Variant Classification Sherloc (09022015). Collection method: clinical testing. Allele origin: germline.
Comment: In summary, the available evidence is currently insufficient to determine the role of this variant in disease. Therefore, it has been classified as a Variant of Uncertain Significance. Algorithms developed to predict the effect of sequence changes on RNA splicing suggest that this variant may disrupt the consensus splice site. This variant has not been reported in the literature in individuals affected with IREB2-related conditions. This variant is not present in population databases (gnomAD no frequency). This sequence change creates a premature translational stop signal (p.Met374Valfs*14) in the IREB2 gene. It is expected to result in an absent or disrupted protein product. However, the current clinical and genetic evidence is not sufficient to establish whether loss-of-function variants in IREB2 cause disease.